The following is an entry in ClinVar:

NM_023036.6(DNAI2):c.1663A>G (p.Ile555Val)

Gene: DNAI2 (dynein axonemal intermediate chain 2; plus strand). Cytogenetic location: 17q25.1.
Variant type: single nucleotide variant.
Coding change: c.1663A>G on transcript NM_023036.6 (MANE Select); coding-DNA position 1663, A replaced by G.
Protein change: p.Ile555Val; replaces isoleucine 555 with valine.
Molecular consequence: missense variant.
Genome position (GRCh38, 1-based): chr17:74,312,171, A>G. VCF-style: chr17-74312171-A-G. GRCh37 (hg19) VCF-style: chr17-72308310-A-G.
Other names: c.1627A>G, p.Ile543Val (NM_001172810.3); c.1663A>G, p.Ile555Val (NM_001353167.2); short protein forms I555V, I543V.
Identifiers: ClinVar variation 454935 (VCV000454935.7), dbSNP rs146727740, ClinGen allele CA8745859.
Genomic context (GRCh38, chr17:74,312,171, plus strand): 5'-GAGGAGCTGGCCGTAGACCTGGAGGCGCTGGTCAGCAAGGCCGAGGAGGAGTTCTTCGAC[A>G]TCATCTTCGCAGAGCTGAAGAAGAAGGAGGCAGACGCCATAAAGCTGACGCCAGTGCCTG-3'
Protein context (NP_075462.3, residues 545-565): VSKAEEEFFD[Ile555Val]IFAELKKKEA

ClinVar aggregate classification (germline): Conflicting classifications of pathogenicity. Review status: criteria provided, conflicting classifications (1 of 4 stars). 4 submissions from 4 submitters: Uncertain significance (2); Likely benign (1). 1 of the submissions does not count toward it. Last evaluated 2026-03-12.

Conditions:
Primary ciliary dyskinesia. Also called: Ciliary dyskinesia. Identifiers: Orphanet 244, MedGen C0008780, MONDO:0016575, HP:0012265.
Primary ciliary dyskinesia 9. Also called: CILIARY DYSKINESIA, PRIMARY, 9, WITH OR WITHOUT SITUS INVERSUS. Identifiers: Orphanet 244, MedGen C2676235, MONDO:0012906, OMIM 612444.

Allele frequency attached by ClinVar (database versions not stated): gnomAD below 0.00001 and 0.00007; TOPMed 0.00002; ESP Exome Variant Server 0.00008; gnomAD exomes 0.00009 and 0.00015; ExAC 0.00017; 1000 Genomes Project 30x 0.00031; 1000 Genomes Project 0.00040.
gnomAD v4.1: 138 of 1,613,142 alleles (0.0086%); highest among the groups gnomAD compares: South Asian, 0.14%; no homozygotes.

Submissions (4):

Ambry Genetics
Classification: Likely benign for Primary ciliary dyskinesia. Last evaluated: 2026-03-12. Review status: criteria provided, single submitter. Criteria: Ambry Variant Classification Scheme 2023. Collection method: clinical testing. Allele origin: germline.

Labcorp Genetics (formerly Invitae), Labcorp
Classification: Uncertain significance for Primary ciliary dyskinesia. Last evaluated: 2024-09-08. Review status: criteria provided, single submitter. Criteria: Invitae Variant Classification Sherloc (09022015). Collection method: clinical testing. Allele origin: germline.
Comment: This sequence change replaces isoleucine, which is neutral and non-polar, with valine, which is neutral and non-polar, at codon 555 of the DNAI2 protein (p.Ile555Val). This variant is present in population databases (rs146727740, gnomAD 0.1%). This variant has not been reported in the literature in individuals affected with DNAI2-related conditions. ClinVar contains an entry for this variant (Variation ID: 454935). Invitae Evidence Modeling of protein sequence and biophysical properties (such as structural, functional, and spatial information, amino acid conservation, physicochemical variation, residue mobility, and thermodynamic stability) indicates that this missense variant is not expected to disrupt DNAI2 protein function with a negative predictive value of 80%. In summary, the available evidence is currently insufficient to determine the role of this variant in disease. Therefore, it has been classified as a Variant of Uncertain Significance.

Fulgent Genetics
Classification: Uncertain significance for Primary ciliary dyskinesia 9. Last evaluated: 2021-11-09. Review status: criteria provided, single submitter. Criteria: ACMG Guidelines, 2015. Collection method: clinical testing. Allele origin: unknown.

Natera, Inc.
Classification: Uncertain significance for Primary ciliary dyskinesia. Last evaluated: 2019-10-28. Review status: no assertion criteria provided. Collection method: clinical testing. Allele origin: germline. Not counted in ClinVar's aggregate classification.